The following is an entry in ClinVar:

ClinVar aggregate classification (germline): Uncertain significance (1 of 4 stars; one submission).

Allele frequency attached by ClinVar (database versions not stated): gnomAD exomes below 0.00001; gnomAD 0.00001; TOPMed 0.00002.
gnomAD v4.1: 2 of 1,613,754 alleles (0.00012%); highest among the groups gnomAD compares: Non-Finnish European, 0.00017%; no homozygotes.

Submission:

Labcorp Genetics (formerly Invitae), Labcorp
Classification: Uncertain significance. Last evaluated: 2022-08-12. Review status: criteria provided, single submitter. Criteria: Invitae Variant Classification Sherloc (09022015). Collection method: clinical testing. Allele origin: germline.
Comment: In summary, the available evidence is currently insufficient to determine the role of this variant in disease. Therefore, it has been classified as a Variant of Uncertain Significance. Variants that disrupt the consensus splice site are a relatively common cause of aberrant splicing (PMID: 17576681, 9536098). Algorithms developed to predict the effect of sequence changes on RNA splicing suggest that this variant is not likely to affect RNA splicing. This variant has not been reported in the literature in individuals affected with TBC1D7-related conditions. This variant is not present in population databases (gnomAD no frequency). This sequence change falls in intron 4 of the TBC1D7 gene. It does not directly change the encoded amino acid sequence of the TBC1D7 protein. It affects a nucleotide within the consensus splice site.

Literature cited by the submitters: PubMed 17576681; PubMed 9536098.

NM_016495.6(TBC1D7):c.381+4A>G

Genes: TBC1D7 (TBC1 domain family member 7; minus strand), TBC1D7-LOC100130357 (TBC1D7-LOC100130357 readthrough; minus strand). Cytogenetic location: 6p24.1.
Variant type: single nucleotide variant.
Coding change: c.381+4A>G on transcript NM_016495.6 (MANE Select); 4 bases into the intron after coding-DNA position 381, A replaced by G.
Molecular consequence: intron variant. On other transcripts: missense variant (1).
Genome position (GRCh38, 1-based): chr6:13,320,904, T>C on the plus strand (A>G on the coding strand, the complement: TBC1D7 is on the minus strand). VCF-style: chr6-13320904-T-C. GRCh37 (hg19) VCF-style: chr6-13321136-T-C.
Other names: c.381+4A>G (NM_001318805.2, NM_001143964.4, NM_001258457.3 and 2 more transcripts); c.300+4A>G (NM_001143966.4); c.304A>G, p.Ser102Gly (NM_001318806.2); short protein forms S102G.
Identifiers: ClinVar variation 2047919 (VCV002047919.4), dbSNP rs1783991177, ClinGen allele CA362783595.